The following is an entry in ClinVar:

NM_000090.4(COL3A1):c.1815+5G>T

Gene: COL3A1 (collagen type III alpha 1 chain; plus strand). Cytogenetic location: 2q32.2.
Variant type: single nucleotide variant.
Coding change: c.1815+5G>T on transcript NM_000090.4 (MANE Select); 5 bases into the intron after coding-DNA position 1815, G replaced by T.
Molecular consequence: intron variant.
Genome position (GRCh38, 1-based): chr2:188,997,223, G>T. VCF-style: chr2-188997223-G-T. GRCh37 (hg19) VCF-style: chr2-189861949-G-T.
Identifiers: ClinVar variation 3670288 (VCV003670288.2).
Genomic context (GRCh38, chr2:188,997,223, plus strand): 5'-AGGGTGCTCCTGGTAAGAATGGAGAACGAGGTGGCCCTGGAGGACCTGGCCCTCAGGTAC[G>T]TAGCTTTCCTCAATTTATTTCTAGCCTTCTAATAGATGCGTTCATCTCCAACCTTCTGAC-3'

ClinVar aggregate classification (germline): Uncertain significance (1 of 4 stars; one submission).

Conditions:
Ehlers-Danlos syndrome, type 4 (EDSVASC). Also called: Ehlers-Danlos syndrome vascular type; Ehlers Danlos syndrome, ecchymotic type; Ehlers Danlos syndrome, arterial type; Ehlers Danlos syndrome, Sack-Barabas type; Ehlers-Danlos Syndrome Type IV. Identifiers: Orphanet 286, MedGen C0268338, MONDO:0017314, OMIM 130050.

gnomAD v4.1: 1 of 1,614,000 alleles (0.000062%); highest among the groups gnomAD compares: Non-Finnish European, 0.000085%; no homozygotes.

Submission:

Labcorp Genetics (formerly Invitae), Labcorp
Classification: Uncertain significance for Ehlers-Danlos syndrome, type 4. Last evaluated: 2024-12-04. Review status: criteria provided, single submitter. Criteria: Invitae Variant Classification Sherloc (09022015). Collection method: clinical testing. Allele origin: germline.
Comment: This sequence change falls in intron 25 of the COL3A1 gene. It does not directly change the encoded amino acid sequence of the COL3A1 protein. It affects a nucleotide within the consensus splice site. This variant is not present in population databases (gnomAD no frequency). This variant has not been reported in the literature in individuals affected with COL3A1-related conditions. Variants that disrupt the consensus splice site are a relatively common cause of aberrant splicing (PMID: 17576681, 9536098). Algorithms developed to predict the effect of sequence changes on RNA splicing suggest that this variant is not likely to affect RNA splicing. In summary, the available evidence is currently insufficient to determine the role of this variant in disease. Therefore, it has been classified as a Variant of Uncertain Significance.

Literature cited by the submitters: PubMed 17576681; PubMed 9536098.